The following is an entry in ClinVar:

NM_005866.4(SIGMAR1):c.208C>T (p.Pro70Ser)

Gene: SIGMAR1 (sigma receptor chaperone 1; minus strand). Cytogenetic location: 9p13.3.
Variant type: single nucleotide variant.
Coding change: c.208C>T on transcript NM_005866.4 (MANE Select); coding-DNA position 208, C replaced by T.
Protein change: p.Pro70Ser; replaces proline 70 with serine.
Molecular consequence: missense variant. On other transcripts: 5 prime UTR variant (1), non-coding transcript variant (1).
Genome position (GRCh38, 1-based): chr9:34,637,364, G>A on the plus strand (C>T on the coding strand, the complement: SIGMAR1 is on the minus strand). VCF-style: chr9-34637364-G-A. GRCh37 (hg19) VCF-style: chr9-34637361-G-A.
Other names: c.208C>T, p.Pro70Ser (NM_001282205.2, NM_001282208.2, NM_001282209.2 and 1 more transcripts); c.-46C>T (NM_001282206.2); c.148C>T, p.Pro50Ser (NM_001282207.2); short protein forms P50S, P70S.
Identifiers: ClinVar variation 943214 (VCV000943214.8), dbSNP rs777565671, ClinGen allele CA5035925.

ClinVar aggregate classification (germline): Uncertain significance (1 of 4 stars; one submission).

Conditions:
Autosomal recessive distal spinal muscular atrophy 2. Also called: NEURONOPATHY, DISTAL HEREDITARY MOTOR, JERASH TYPE; NEUROPATHY, DISTAL HEREDITARY MOTOR, JERASH TYPE; SPINAL MUSCULAR ATROPHY, JERASH TYPE; NEUROPATHY, DISTAL HEREDITARY MOTOR, AUTOSOMAL RECESSIVE 2; Hereditary motor neuropathy, Jerash type; Motor neuropathy, distal, Jerash type. Identifiers: Orphanet 139552, MedGen C1854023, MONDO:0011585, OMIM 605726.
Amyotrophic lateral sclerosis type 16. Also called: AMYOTROPHIC LATERAL SCLEROSIS 16, JUVENILE. Identifiers: Orphanet 300605, MedGen C3280587, MONDO:0013715, OMIM 614373.

Allele frequency attached by ClinVar (database versions not stated): gnomAD exomes 0.00002; ExAC 0.00002; TOPMed 0.00001; gnomAD 0.00001.
gnomAD v4.1: 12 of 1,605,630 alleles (0.00075%); highest among the groups gnomAD compares: African/African-American, 0.0013%; no homozygotes.

Submission:

Labcorp Genetics (formerly Invitae), Labcorp
Classification: Uncertain significance for Autosomal recessive distal spinal muscular atrophy 2; Amyotrophic lateral sclerosis type 16. Last evaluated: 2025-07-09. Review status: criteria provided, single submitter. Criteria: Invitae Variant Classification Sherloc (09022015). Collection method: clinical testing. Allele origin: germline.
Comment: This sequence change replaces proline, which is neutral and non-polar, with serine, which is neutral and polar, at codon 70 of the SIGMAR1 protein (p.Pro70Ser). This variant is present in population databases (rs777565671, gnomAD 0.005%). This missense change has been observed in individual(s) with clinical features of SIGMAR1-related conditions (internal data). ClinVar contains an entry for this variant (Variation ID: 943214). An algorithm developed to predict the effect of missense changes on protein structure and function (PolyPhen-2) suggests that this variant is likely to be disruptive. In summary, the available evidence is currently insufficient to determine the role of this variant in disease. Therefore, it has been classified as a Variant of Uncertain Significance.